The following is an entry in ClinVar:

NM_000264.5(PTCH1):c.1681A>T (p.Met561Leu)

Gene: PTCH1 (patched 1; minus strand). Cytogenetic location: 9q22.32.
Variant type: single nucleotide variant.
Coding change: c.1681A>T on transcript NM_000264.5 (MANE Select); coding-DNA position 1681, A replaced by T.
Protein change: p.Met561Leu; replaces methionine 561 with leucine.
Molecular consequence: missense variant. On other transcripts: non-coding transcript variant (1).
Genome position (GRCh38, 1-based): chr9:95,476,081, T>A on the plus strand (A>T on the coding strand, the complement: PTCH1 is on the minus strand). VCF-style: chr9-95476081-T-A. GRCh37 (hg19) VCF-style: chr9-98238363-T-A.
Other names: c.1483A>T, p.Met495Leu (NM_001083602.3); c.1678A>T, p.Met560Leu (NM_001083603.3); c.1228A>T, p.Met410Leu (NM_001083604.3, NM_001083605.3, NM_001083606.3 and 1 more transcripts); c.1525A>T, p.Met509Leu (NM_001354918.2); short protein forms M509L, M410L, M495L, M560L, M561L.
Identifiers: ClinVar variation 2103771 (VCV002103771.6), dbSNP rs1332335605, ClinGen allele CA374117968.

ClinVar aggregate classification (germline): Uncertain significance. Review status: criteria provided, multiple submitters, no conflicts (2 of 4 stars). 2 submissions from 2 submitters: Uncertain significance (2). Last evaluated 2023-07-17.

Conditions:
Gorlin syndrome. Also called: Basal cell nevus syndrome; Nevoid Basal Cell Carcinoma Syndrome. Identifiers: Orphanet 377, MedGen C0004779, MONDO:0007187.
Hereditary cancer-predisposing syndrome. Also called: Hereditary Cancer Syndrome; Tumor predisposition; Neoplastic Syndromes, Hereditary; Hereditary neoplastic syndrome. Identifiers: Orphanet 140162, MedGen C0027672, MeSH D009386, MONDO:0015356.

Submissions (2):

Labcorp Genetics (formerly Invitae), Labcorp
Classification: Uncertain significance for Gorlin syndrome. Last evaluated: 2023-07-17. Review status: criteria provided, single submitter. Criteria: Invitae Variant Classification Sherloc (09022015). Collection method: clinical testing. Allele origin: germline.
Comment: Advanced modeling of protein sequence and biophysical properties (such as structural, functional, and spatial information, amino acid conservation, physicochemical variation, residue mobility, and thermodynamic stability) performed at Invitae indicates that this missense variant is not expected to disrupt PTCH1 protein function. In summary, the available evidence is currently insufficient to determine the role of this variant in disease. Therefore, it has been classified as a Variant of Uncertain Significance. ClinVar contains an entry for this variant (Variation ID: 2103771). This variant has not been reported in the literature in individuals affected with PTCH1-related conditions. This variant is not present in population databases (gnomAD no frequency). This sequence change replaces methionine, which is neutral and non-polar, with leucine, which is neutral and non-polar, at codon 561 of the PTCH1 protein (p.Met561Leu).

Ambry Genetics
Classification: Uncertain significance for Hereditary cancer-predisposing syndrome. Last evaluated: 2023-02-23. Review status: criteria provided, single submitter. Criteria: Ambry Variant Classification Scheme 2023. Collection method: clinical testing. Allele origin: germline.
Comment: The p.M561L variant (also known as c.1681A>T), located in coding exon 12 of the PTCH1 gene, results from an A to T substitution at nucleotide position 1681. The methionine at codon 561 is replaced by leucine, an amino acid with highly similar properties. This amino acid position is conserved. In addition, this alteration is predicted to be deleterious by in silico analysis. Since supporting evidence is limited at this time, the clinical significance of this alteration remains unclear.